The following is an entry in ClinVar:

ClinVar aggregate classification (germline): Likely benign. Review status: reviewed by expert panel (3 of 4 stars). 5 submissions from 5 submitters: Likely benign (1). 4 of the submissions do not count toward it. Last evaluated 2022-05-18.

Conditions:
DICER1-related disorder. Also called: DICER1-related condition.
Hereditary cancer-predisposing syndrome. Also called: Tumor predisposition; Neoplastic Syndromes, Hereditary; Hereditary Cancer Syndrome; Hereditary neoplastic syndrome. Identifiers: Orphanet 140162, MedGen C0027672, MeSH D009386, MONDO:0015356.
DICER1-related tumor predisposition. Also called: DICER1 syndrome; DICER1-related pleuropulmonary blastoma cancer predisposition syndrome. Identifiers: Orphanet 284343, MedGen C3839822, MONDO:0100216.

Allele frequency attached by ClinVar (database versions not stated): gnomAD exomes below 0.00001 and 0.00002; TOPMed 0.00007; 1000 Genomes Project 0.00020; 1000 Genomes Project 30x 0.00031; gnomAD 0.00004; ExAC 0.00005; ESP Exome Variant Server 0.00023.
gnomAD v4.1: 8 of 1,614,168 alleles (0.0005%); highest among the groups gnomAD compares: African/African-American, 0.011%; no homozygotes.

Submissions (5):

ClinGen DICER1 and miRNA-Processing Gene Variant Curation Expert Panel, ClinGen
Classification: Likely benign for DICER1-related tumor predisposition. Last evaluated: 2022-05-18. Review status: reviewed by expert panel. Criteria: ClinGen DICER1 ACMG Specifications DICER1 v1. Collection method: curation. Allele origin: germline. Inheritance: Autosomal dominant inheritance.
Comment: The NM_177438.2:c.5052C>G (p.Leu1684=) variant is a synonymous (silent) variant that is not predicted by MaxEntScan or SpliceAI to impact splicing (BP4, BP7). The highest population minor allele frequency in gnomAD v2.1.1 non-cancer is 0.0034 (5/14900 alleles) in African/African-American population, which is higher than the ClinGen DICER1 VCEP threshold (>0.0003) for BS1, and therefore meets this criterion (BS1). In summary, this variant meets the criteria to be classified as likely benign for DICER1 syndrome based on the ACMG/AMP criteria applied, as specified by the ClinGen DICER1 VCEP: BP4, BP7, BS1 (Bayesian Points: -6; VCEP specifications version 1; 02/11/22).

Myriad Genetics, Inc.
Classification: Benign for DICER1-related tumor predisposition. Last evaluated: 2026-04-20. Review status: criteria provided, single submitter. Criteria: Myriad Autosomal Dominant, Autosomal Recessive and X-Linked Classification Criteria (2023). Collection method: clinical testing. Allele origin: unknown. Not counted in ClinVar's aggregate classification.
Comment: This variant is considered benign. This variant is a silent/synonymous amino acid change and it is not expected to impact splicing.

Labcorp Genetics (formerly Invitae), Labcorp
Classification: Likely benign for DICER1-related tumor predisposition. Last evaluated: 2026-01-04. Review status: criteria provided, single submitter. Criteria: Invitae Variant Classification Sherloc (09022015). Collection method: clinical testing. Allele origin: germline. Not counted in ClinVar's aggregate classification.

Ambry Genetics
Classification: Likely benign for Hereditary cancer-predisposing syndrome. Last evaluated: 2018-03-21. Review status: criteria provided, single submitter. Criteria: Ambry Variant Classification Scheme 2023. Collection method: clinical testing. Allele origin: germline. Not counted in ClinVar's aggregate classification.

PreventionGenetics, part of Exact Sciences
Classification: Likely benign for DICER1-related condition. Last evaluated: 2021-12-22. Review status: no assertion criteria provided. Collection method: clinical testing. Allele origin: germline. Not counted in ClinVar's aggregate classification.
Comment: This variant is classified as likely benign based on ACMG/AMP sequence variant interpretation guidelines (Richards et al. 2015 PMID: 25741868, with internal and published modifications).

NM_177438.3(DICER1):c.5052C>G (p.Leu1684=)

Gene: DICER1 (dicer 1, ribonuclease III; minus strand). Cytogenetic location: 14q32.13.
Variant type: single nucleotide variant.
Coding change: c.5052C>G on transcript NM_177438.3 (MANE Select); coding-DNA position 5052, C replaced by G.
Protein change: p.Leu1684=; no amino-acid change (leucine 1684 retained).
Molecular consequence: synonymous variant.
Genome position (GRCh38, 1-based): chr14:95,095,868, G>C on the plus strand (C>G on the coding strand, the complement: DICER1 is on the minus strand). VCF-style: chr14-95095868-G-C. GRCh37 (hg19) VCF-style: chr14-95562205-G-C.
Other names: NM_177438.2(DICER1):c.5052C>G; p.Leu1684=; c.5052C>G, p.Leu1684= (NM_001195573.1, NM_001271282.3, NM_001291628.2 and 1 more transcripts).
Identifiers: ClinVar variation 242128 (VCV000242128.22), dbSNP rs145027662, ClinGen allele CA7330753.
Genomic context (GRCh38, chr14:95,095,868, plus strand): 5'-GGTCGTGGGCTCCTTACCAGTGATAGTATTGTAGTGGTAGGAGGCATGTGTAAAAGCCTG[G>C]AGAAGGTAAGCCTTATTCTTGAATCTGTAGTTGATTTTCTTTTCAAAATTTTCAAACCCC-3'
Protein context (NP_803187.1, residues 1674-1694): NYRFKNKAYL[Leu1684=]QAFTHASYHY